The following is an entry in ClinVar:

NM_004006.3(DMD):c.10432dup (p.Ser3478fs)

Gene: DMD (dystrophin; minus strand). Cytogenetic location: Xp21.2.
Variant type: Duplication.
Coding change: c.10432dup on transcript NM_004006.3 (MANE Select); coding-DNA position 10432, one base duplicated (A; older notation c.10432dupA).
Protein change: p.Ser3478fs; shifts the reading frame from serine 3478.
Molecular consequence: frameshift variant. On other transcripts: intron variant (2).
Genome position (GRCh38, 1-based): chrX:31,169,564, T duplicated on the plus strand (A on the coding strand, the reverse complement: DMD is on the minus strand); the first of 3 consecutive T bases (chrX:31,169,564-31,169,566); duplicating any one gives the same sequence. VCF-style (leftmost placement, unchanged base first): chrX-31169563-C-CT. GRCh37 (hg19) VCF-style: chrX-31187680-C-CT.
Other names: c.10408dup, p.Ser3470fs (NM_000109.4); c.10420dup, p.Ser3474fs (NM_004009.3); c.10063dup, p.Ser3355fs (NM_004010.3); c.6409dup, p.Ser2137fs (NM_004011.4); c.6400dup, p.Ser2134fs (NM_004012.4); c.3052dup, p.Ser1018fs (NM_004013.3, NM_004021.3); c.2245dup, p.Ser749fs (NM_004014.3); c.1228dup, p.Ser410fs (NM_004015.3, NM_004016.3); and 3 more; short protein forms S1005fs, S1018fs, S2134fs, S2137fs, S3355fs, S3470fs, S3474fs, S3478fs.
Identifiers: ClinVar variation 1702673 (VCV001702673.2), dbSNP rs2148184571, ClinGen allele CA2580100558.

ClinVar aggregate classification (germline): Pathogenic (1 of 4 stars; one submission).

Submission:

GeneDx
Classification: Pathogenic. Last evaluated: 2022-06-13. Review status: criteria provided, single submitter. Criteria: GeneDx Variant Classification Process June 2021. Collection method: clinical testing. Allele origin: germline. Affected: yes.
Comment: Has not been previously published as pathogenic or benign to our knowledge; Not observed at significant frequency in large population cohorts (gnomAD); Frameshift variant predicted to result in protein truncation or nonsense mediated decay in a gene for which loss-of-function is a known mechanism of disease